The following is an entry in ClinVar:

NM_005188.4(CBL):c.2404T>A (p.Trp802Arg)

Gene: CBL (Cbl proto-oncogene; plus strand). Cytogenetic location: 11q23.3.
Variant type: single nucleotide variant.
Coding change: c.2404T>A on transcript NM_005188.4 (MANE Select); coding-DNA position 2404, T replaced by A.
Protein change: p.Trp802Arg; replaces tryptophan 802 with arginine.
Molecular consequence: missense variant.
Genome position (GRCh38, 1-based): chr11:119,298,510, T>A. VCF-style: chr11-119298510-T-A. GRCh37 (hg19) VCF-style: chr11-119169220-T-A.
Other names: short protein forms W802R.
Identifiers: ClinVar variation 1513078 (VCV001513078.8), dbSNP rs2135321282, ClinGen allele CA382930185.
Genomic context (GRCh38, chr11:119,298,510, plus strand): 5'-CCGGCCGTGCTGGCCCGCCGAACTCTCTCAGATATCTCTAATGCCAGCTCCTCCTTTGGC[T>A]GGTTGTCTCTGGATGGTGATCCTACAACAAGTGAGTCTCCAGACTACTTTGGGTTTGTCC-3'
Protein context (NP_005179.2, residues 792-812): DISNASSSFG[Trp802Arg]LSLDGDPTTN

ClinVar aggregate classification (germline): Uncertain significance (1 of 4 stars; one submission).

Conditions:
RASopathy. Also called: Noonan spectrum disorder; rasopathies. Identifiers: Orphanet 536391, MedGen C5555857, MONDO:0021060.

Submission:

Labcorp Genetics (formerly Invitae), Labcorp
Classification: Uncertain significance for RASopathy. Last evaluated: 2025-06-14. Review status: criteria provided, single submitter. Criteria: Invitae Variant Classification Sherloc (09022015). Collection method: clinical testing. Allele origin: germline.
Comment: This sequence change replaces tryptophan, which is neutral and slightly polar, with arginine, which is basic and polar, at codon 802 of the CBL protein (p.Trp802Arg). This variant is not present in population databases (gnomAD no frequency). This variant has not been reported in the literature in individuals affected with CBL-related conditions. ClinVar contains an entry for this variant (Variation ID: 1513078). Invitae Evidence Modeling of protein sequence and biophysical properties (such as structural, functional, and spatial information, amino acid conservation, physicochemical variation, residue mobility, and thermodynamic stability) indicates that this missense variant is not expected to disrupt CBL protein function with a negative predictive value of 95%. Algorithms developed to predict the effect of sequence changes on RNA splicing suggest that this variant may create or strengthen a splice site. In summary, the available evidence is currently insufficient to determine the role of this variant in disease. Therefore, it has been classified as a Variant of Uncertain Significance.